The following is an entry in ClinVar:

NM_022051.3(EGLN1):c.290C>A (p.Ala97Glu)

Gene: EGLN1 (egl-9 family hypoxia inducible factor 1; minus strand). Cytogenetic location: 1q42.2.
Variant type: single nucleotide variant.
Coding change: c.290C>A on transcript NM_022051.3 (MANE Select); coding-DNA position 290, C replaced by A.
Protein change: p.Ala97Glu; replaces alanine 97 with glutamic acid.
Molecular consequence: missense variant.
Genome position (GRCh38, 1-based): chr1:231,421,599, G>T on the plus strand (C>A on the coding strand, the complement: EGLN1 is on the minus strand). VCF-style: chr1-231421599-G-T. GRCh37 (hg19) VCF-style: chr1-231557345-G-T.
Other names: c.290C>A, p.Ala97Glu (NM_001377260.1, NM_001377261.1); short protein forms A97E.
Identifiers: ClinVar variation 1797560 (VCV001797560.3), dbSNP rs1001378362, ClinGen allele CA38948926.

ClinVar aggregate classification (germline): Uncertain significance (1 of 4 stars; one submission).

Submission:

Ambry Genetics
Classification: Uncertain significance. Last evaluated: 2025-01-18. Review status: criteria provided, single submitter. Criteria: Ambry Variant Classification Scheme 2023. Collection method: clinical testing. Allele origin: germline.
Comment: The p.A97E variant (also known as c.290C>A), located in coding exon 1 of the EGLN1 gene, results from a C to A substitution at nucleotide position 290. The alanine at codon 97 is replaced by glutamic acid, an amino acid with dissimilar properties. This amino acid position is conserved. In addition, this alteration is predicted to be tolerated by in silico analysis. Since supporting evidence is limited at this time, the clinical significance of this alteration remains unclear.